The following is an entry in ClinVar:

NM_024529.5(CDC73):c.370+4dup

Gene: CDC73 (cell division cycle 73; plus strand). Cytogenetic location: 1q31.2.
Variant type: Duplication.
Coding change: c.370+4dup on transcript NM_024529.5 (MANE Select); 4 bases into the intron after coding-DNA position 370, one base duplicated (T; older notation c.370+4dupT).
Molecular consequence: intron variant.
Genome position (GRCh38, 1-based): chr1:193,135,457, T duplicated. VCF-style (leftmost placement, unchanged base first): chr1-193135456-A-AT. GRCh37 (hg19) VCF-style: chr1-193104586-A-AT.
Identifiers: ClinVar variation 4724880 (VCV004724880.1).
Genomic context (GRCh38, chr1:193,135,456, plus strand): 5'-TCGGCAAGTATAGACAGAAGCGCTCCCTTAGAAATAGGTCTTCAGCGATCTACTCAAGGT[A>AT]TGTCTTGTTGCATATTTATATTGAACTTTCAGAAGCCCATTCCAAAACTACACATTTATT-3'

ClinVar aggregate classification (germline): Uncertain significance (1 of 4 stars; one submission).

Conditions:
Parathyroid carcinoma (PRTC). Also called: Parathyroid gland carcinoma; CDC73-Related Parathyroid Carcinoma. Identifiers: Orphanet 143, MedGen C0687150, MONDO:0012004, OMIM 608266, HP:0006780.

Submission:

Labcorp Genetics (formerly Invitae), Labcorp
Classification: Uncertain significance for Parathyroid carcinoma. Last evaluated: 2025-08-06. Review status: criteria provided, single submitter. Criteria: Invitae Variant Classification Sherloc (09022015). Collection method: clinical testing. Allele origin: germline.
Comment: This sequence change falls in intron 4 of the CDC73 gene. It does not directly change the encoded amino acid sequence of the CDC73 protein. It affects a nucleotide within the consensus splice site. This variant is not present in population databases (gnomAD no frequency). This variant has not been reported in the literature in individuals affected with CDC73-related conditions. Variants that disrupt the consensus splice site are a relatively common cause of aberrant splicing (PMID: 17576681, 9536098). Algorithms developed to predict the effect of sequence changes on RNA splicing suggest that this variant is not likely to affect RNA splicing. In summary, the available evidence is currently insufficient to determine the role of this variant in disease. Therefore, it has been classified as a Variant of Uncertain Significance.

Literature cited by the submitters: PubMed 17576681; PubMed 9536098.